The following is an entry in ClinVar:

ClinVar aggregate classification (germline): Likely benign. Review status: criteria provided, multiple submitters, no conflicts (2 of 4 stars). 3 submissions from 3 submitters: Likely benign (3). Last evaluated 2026-09-08.

Conditions:
PREPL-related disorder. Also called: PREPL-related condition.
Myasthenic syndrome, congenital, 22 (CMS22). Also called: PREPL DEFICIENCY. Identifiers: MedGen C4479088, MONDO:0044299, OMIM 616224.

Allele frequency attached by ClinVar (database versions not stated): TOPMed 0.00006; gnomAD 0.00008 and 0.00011; gnomAD exomes 0.00020 and 0.00036; ExAC 0.00036.
gnomAD v4.1: 314 of 1,606,470 alleles (0.02%); highest among the groups gnomAD compares: South Asian, 0.23%; 1 homozygote.

Submissions (3):

PreventionGenetics, part of Exact Sciences
Classification: Likely benign for PREPL-related condition. Last evaluated: 2026-09-08. Review status: criteria provided, single submitter. Criteria: ACMG Guidelines, 2015. Collection method: clinical testing. Allele origin: germline.
Comment: This variant is classified as likely benign based on ACMG/AMP sequence variant interpretation guidelines (Richards et al. 2015 PMID: 25741868, with internal and published modifications).

Labcorp Genetics (formerly Invitae), Labcorp
Classification: Likely benign for Myasthenic syndrome, congenital, 22. Last evaluated: 2025-08-19. Review status: criteria provided, single submitter. Criteria: Invitae Variant Classification Sherloc (09022015). Collection method: clinical testing. Allele origin: germline.

Genomic Research Center, Shahid Beheshti University of Medical Sciences
Classification: Likely benign for Myasthenic syndrome, congenital, 22. Last evaluated: 2019-01-01. Review status: criteria provided, single submitter. Criteria: ACMG Guidelines, 2015. Collection method: clinical testing. Allele origin: unknown. Affected: no. Observed: 1 variant allele.

NM_001171613.2(PREPL):c.1520C>A (p.Thr507Lys)

Gene: PREPL (prolyl endopeptidase like; minus strand). Cytogenetic location: 2p21.
Variant type: single nucleotide variant.
Coding change: c.1520C>A on transcript NM_001171613.2 (MANE Select); coding-DNA position 1520, C replaced by A.
Protein change: p.Thr507Lys; replaces threonine 507 with lysine.
Molecular consequence: missense variant.
Genome position (GRCh38, 1-based): chr2:44,323,371, G>T on the plus strand (C>A on the coding strand, the complement: PREPL is on the minus strand). VCF-style: chr2-44323371-G-T. GRCh37 (hg19) VCF-style: chr2-44550510-G-T.
Other names: c.1787C>A, p.Thr596Lys (NM_006036.4, NM_001171603.1, NM_001171606.2 and 2 more transcripts); c.1601C>A, p.Thr534Lys (NM_001042385.2); c.1589C>A, p.Thr530Lys (NM_001042386.2); c.1520C>A, p.Thr507Lys (NM_001171617.1, NM_001374277.1); short protein forms T596K, T507K, T530K, T534K.
Identifiers: ClinVar variation 478311 (VCV000478311.18), dbSNP rs773867044, ClinGen allele CA1641058.